The following is an entry in ClinVar:

ClinVar aggregate classification (germline): Uncertain significance (1 of 4 stars; one submission).

Allele frequency attached by ClinVar (database versions not stated): TOPMed below 0.00001; gnomAD 0.00001.
gnomAD v4.1: 1 of 1,613,806 alleles (0.000062%); highest among the groups gnomAD compares: African/African-American, 0.0013%; no homozygotes.

Submission:

Labcorp Genetics (formerly Invitae), Labcorp
Classification: Uncertain significance. Last evaluated: 2022-11-22. Review status: criteria provided, single submitter. Criteria: Invitae Variant Classification Sherloc (09022015). Collection method: clinical testing. Allele origin: germline.
Comment: In summary, the available evidence is currently insufficient to determine the role of this variant in disease. Therefore, it has been classified as a Variant of Uncertain Significance. Advanced modeling of protein sequence and biophysical properties (such as structural, functional, and spatial information, amino acid conservation, physicochemical variation, residue mobility, and thermodynamic stability) performed at Invitae indicates that this missense variant is not expected to disrupt CDH23 protein function. ClinVar contains an entry for this variant (Variation ID: 1378651). This variant has not been reported in the literature in individuals affected with CDH23-related conditions. This variant is not present in population databases (gnomAD no frequency). This sequence change replaces leucine, which is neutral and non-polar, with proline, which is neutral and non-polar, at codon 1249 of the CDH23 protein (p.Leu1249Pro).

NM_022124.6(CDH23):c.3746T>C (p.Leu1249Pro)

Genes: C10orf105 (chromosome 10 open reading frame 105; minus strand), CDH23 (cadherin related 23; plus strand). Cytogenetic location: 10q22.1.
Variant type: single nucleotide variant.
Coding change: c.3746T>C on transcript NM_022124.6 (MANE Select); coding-DNA position 3746, T replaced by C.
Protein change: p.Leu1249Pro; replaces leucine 1249 with proline.
Molecular consequence: missense variant. On other transcripts: intron variant (1).
Genome position (GRCh38, 1-based): chr10:71,732,017, T>C. VCF-style: chr10-71732017-T-C. GRCh37 (hg19) VCF-style: chr10-73491774-T-C.
Other names: c.3746T>C, p.Leu1249Pro (NM_001171930.2); c.-6+5711A>G (NM_001168390.2); short protein forms L1249P.
Identifiers: ClinVar variation 1378651 (VCV001378651.7), dbSNP rs1201620910, ClinGen allele CA377155745.